The following is an entry in ClinVar:

NM_145239.3(PRRT2):c.-58C>T

Genes: MVP-DT (MVP divergent transcript; minus strand), PRRT2 (proline rich transmembrane protein 2; plus strand). Cytogenetic location: 16p11.2.
Variant type: single nucleotide variant.
Coding change: c.-58C>T on transcript NM_145239.3 (MANE Select); 58 bases upstream of the start codon, C replaced by T.
Molecular consequence: 5 prime UTR variant.
Genome position (GRCh38, 1-based): chr16:29,812,997, C>T. VCF-style: chr16-29812997-C-T. GRCh37 (hg19) VCF-style: chr16-29824318-C-T.
Other names: c.-58C>T (NM_001256442.2, NM_001256443.2).
Identifiers: ClinVar variation 388567 (VCV000388567.1), dbSNP rs1057523156, ClinGen allele CA16608174.

ClinVar aggregate classification (germline): Likely benign (1 of 4 stars; one submission).

Allele frequency attached by ClinVar (database versions not stated): TOPMed 0.00002; gnomAD below 0.00001 and 0.00001.

Submission:

GeneDx
Classification: Likely benign. Last evaluated: 2017-04-06. Review status: criteria provided, single submitter. Criteria: GeneDx Variant Classification (06012015). Collection method: clinical testing. Allele origin: germline. Affected: yes.
Comment: This variant is considered likely benign or benign based on one or more of the following criteria: it is a conservative change, it occurs at a poorly conserved position in the protein, it is predicted to be benign by multiple in silico algorithms, and/or has population frequency not consistent with disease.